The following is an entry in ClinVar:

NM_000843.4(GRM6):c.208G>T (p.Glu70Ter)

Gene: GRM6 (glutamate metabotropic receptor 6; minus strand). Cytogenetic location: 5q35.3.
Variant type: single nucleotide variant.
Coding change: c.208G>T on transcript NM_000843.4 (MANE Select); coding-DNA position 208, G replaced by T.
Protein change: p.Glu70Ter; replaces glutamic acid 70 with a stop codon.
Molecular consequence: nonsense.
Genome position (GRCh38, 1-based): chr5:178,994,737, C>A on the plus strand (G>T on the coding strand, the complement: GRM6 is on the minus strand). VCF-style: chr5-178994737-C-A. GRCh37 (hg19) VCF-style: chr5-178421738-C-A.
Other names: short protein forms E70*.
Identifiers: ClinVar variation 1074889 (VCV001074889.7), dbSNP rs1353889281, ClinGen allele CA362436854.

ClinVar aggregate classification (germline): Pathogenic (1 of 4 stars; one submission).

Allele frequency attached by ClinVar (database versions not stated): gnomAD 0.00001.

Submission:

Labcorp Genetics (formerly Invitae), Labcorp
Classification: Pathogenic. Last evaluated: 2021-04-17. Review status: criteria provided, single submitter. Criteria: Invitae Variant Classification Sherloc (09022015). Collection method: clinical testing. Allele origin: germline.
Comment: For these reasons, this variant has been classified as Pathogenic. Loss-of-function variants in GRM6 are known to be pathogenic (PMID: 15781871, 16622103, 22008250). This variant has not been reported in the literature in individuals with GRM6-related conditions. The frequency data for this variant in the population databases is considered unreliable, as metrics indicate insufficient coverage at this position in the ExAC database. This sequence change creates a premature translational stop signal (p.Glu70*) in the GRM6 gene. It is expected to result in an absent or disrupted protein product.

Literature cited by the submitters: PubMed 15781871; PubMed 16622103; PubMed 22008250.